The following is an entry in ClinVar:

ClinVar aggregate classification (germline): Uncertain significance (1 of 4 stars; one submission).

Submission:

Labcorp Genetics (formerly Invitae), Labcorp
Classification: Uncertain significance. Last evaluated: 2023-12-01. Review status: criteria provided, single submitter. Criteria: Invitae Variant Classification Sherloc (09022015). Collection method: clinical testing. Allele origin: germline.
Comment: This sequence change replaces aspartic acid, which is acidic and polar, with tyrosine, which is neutral and polar, at codon 103 of the ALPK1 protein (p.Asp103Tyr). This variant is not present in population databases (gnomAD no frequency). This variant has not been reported in the literature in individuals affected with ALPK1-related conditions. Advanced modeling of protein sequence and biophysical properties (such as structural, functional, and spatial information, amino acid conservation, physicochemical variation, residue mobility, and thermodynamic stability) performed at Invitae indicates that this missense variant is expected to disrupt ALPK1 protein function with a positive predictive value of 80%. In summary, the available evidence is currently insufficient to determine the role of this variant in disease. Therefore, it has been classified as a Variant of Uncertain Significance.

NM_025144.4(ALPK1):c.307G>T (p.Asp103Tyr)

Gene: ALPK1 (alpha kinase 1; plus strand). Cytogenetic location: 4q25.
Variant type: single nucleotide variant.
Coding change: c.307G>T on transcript NM_025144.4 (MANE Select); coding-DNA position 307, G replaced by T.
Protein change: p.Asp103Tyr; replaces aspartic acid 103 with tyrosine.
Molecular consequence: missense variant.
Genome position (GRCh38, 1-based): chr4:112,411,857, G>T. VCF-style: chr4-112411857-G-T. GRCh37 (hg19) VCF-style: chr4-113333013-G-T.
Other names: c.307G>T, p.Asp103Tyr (NM_001102406.2); c.73G>T, p.Asp25Tyr (NM_001253884.2); short protein forms D103Y, D25Y.
Identifiers: ClinVar variation 3001323 (VCV003001323.3), dbSNP rs775879914, ClinGen allele CA357990499.
Genomic context (GRCh38, chr4:112,411,857, plus strand): 5'-GGCTCACGATGTTCCACGCTGTTCCTCCAGGCGTCCCTGAGGGCCTCCATCCTCGCTCGG[G>T]ACTGTGCGGCTGCGGCGGCTATTGTGTTCTTGGTGGACCGGTTCCTGTATGGGCTCGACG-3'
Protein context (NP_079420.3, residues 93-113): ASLRASILAR[Asp103Tyr]CAAAAAIVFL